The following is an entry in ClinVar:

ClinVar aggregate classification (germline): Benign. Review status: criteria provided, multiple submitters, no conflicts (2 of 4 stars). 4 submissions from 4 submitters: Benign (4). Last evaluated 2026-01-15.

Conditions:
Auriculocondylar syndrome 2 (ARCND2A). Also called: AURICULOCONDYLAR SYNDROME 2A. Identifiers: Orphanet 137888, MedGen C3553404, MONDO:0013845, OMIM 614669.

Allele frequency attached by ClinVar (database versions not stated): gnomAD exomes 0.00210 and 0.00574; ExAC 0.00682; 1000 Genomes Project 0.02017; gnomAD 0.02101 and 0.02255; 1000 Genomes Project 30x 0.02233; TOPMed 0.02476; ESP Exome Variant Server 0.02576.
gnomAD v4.1: 6,257 of 1,555,056 alleles (0.4%); highest among the groups gnomAD compares: African/African-American, 7.3%; 199 homozygotes.

Submissions (4):

Labcorp Genetics (formerly Invitae), Labcorp
Classification: Benign. Last evaluated: 2026-01-15. Review status: criteria provided, single submitter. Criteria: Invitae Variant Classification Sherloc (09022015). Collection method: clinical testing. Allele origin: germline.

GeneDx
Classification: Benign. Last evaluated: 2021-05-05. Review status: criteria provided, single submitter. Criteria: GeneDx Variant Classification Process June 2021. Collection method: clinical testing. Allele origin: germline. Affected: yes.

Illumina Laboratory Services, Illumina
Classification: Benign for Auriculocondylar syndrome 2. Last evaluated: 2018-01-13. Review status: criteria provided, single submitter. Criteria: ICSL Variant Classification Criteria 13 December 2019. Collection method: clinical testing. Allele origin: germline.
Comment: This variant was observed in the ICSL laboratory as part of a predisposition screen in an ostensibly healthy population. It had not been previously curated by ICSL or reported in the Human Gene Mutation Database (HGMD: prior to June 1st, 2018), and was therefore a candidate for classification through an automated scoring system. Utilizing variant allele frequency, disease prevalence and penetrance estimates, and inheritance mode, an automated score was calculated to assess if this variant is too frequent to cause the disease. Based on the score and internal cut-off values, a variant classified as benign is not then subjected to further curation. The score for this variant resulted in a classification of benign for this disease.

Breakthrough Genomics
Classification: Benign. Review status: criteria provided, single submitter. Criteria: ACMG Guidelines, 2015. Collection method: not provided. Allele origin: germline. Inheritance: Autosomal dominant inheritance. Affected: yes.

NM_001377142.1(PLCB4):c.3045G>A (p.Gln1015=)

Gene: PLCB4 (phospholipase C beta 4; plus strand). Cytogenetic location: 20p12.2.
Variant type: single nucleotide variant.
Coding change: c.3045G>A on transcript NM_001377142.1 (MANE Select); coding-DNA position 3045, G replaced by A.
Protein change: p.Gln1015=; no amino-acid change (glutamine 1015 retained).
Molecular consequence: synonymous variant.
Genome position (GRCh38, 1-based): chr20:9,457,462, G>A. VCF-style: chr20-9457462-G-A. GRCh37 (hg19) VCF-style: chr20-9438109-G-A.
Other names: c.3009G>A, p.Gln1003= (NM_000933.4, NM_001377134.2, NM_001377135.1 and 2 more transcripts); c.3045G>A, p.Gln1015= (NM_001172646.2, NM_001377143.1).
Identifiers: ClinVar variation 339589 (VCV000339589.16), dbSNP rs35285428, ClinGen allele CA9761581.